The following is an entry in ClinVar:

NM_004247.4(EFTUD2):c.1399G>A (p.Asp467Asn)

Gene: EFTUD2 (elongation factor Tu GTP binding domain containing 2; minus strand). Cytogenetic location: 17q21.31.
Variant type: single nucleotide variant.
Coding change: c.1399G>A on transcript NM_004247.4 (MANE Select); coding-DNA position 1399, G replaced by A.
Protein change: p.Asp467Asn; replaces aspartic acid 467 with asparagine.
Molecular consequence: missense variant.
Genome position (GRCh38, 1-based): chr17:44,863,669, C>T on the plus strand (G>A on the coding strand, the complement: EFTUD2 is on the minus strand). VCF-style: chr17-44863669-C-T. GRCh37 (hg19) VCF-style: chr17-42941037-C-T.
Other names: c.1294G>A, p.Asp432Asn (NM_001142605.2); c.1399G>A, p.Asp467Asn (NM_001258353.2); c.1369G>A, p.Asp457Asn (NM_001258354.2); short protein forms D432N, D457N, D467N.
Identifiers: ClinVar variation 3901985 (VCV003901985.1).
Genomic context (GRCh38, chr17:44,863,669, plus strand): 5'-GAAGGGGAAAAAAAGACCAGAGAACCGGGGAGCCACATGCCCTTACATCAGGGTCACAGT[C>T]ACTCATAGCCTCGCCGAGGTCGGAGTCCACACCACCGGTGTAGGTGTGCTCAATCTTGGG-3'
Protein context (NP_004238.3, residues 457-477): VDSDLGEAMS[Asp467Asn]CDPDGPLMCH

ClinVar aggregate classification (germline): Uncertain significance (1 of 4 stars; one submission).

Conditions:
Mandibulofacial dysostosis-microcephaly syndrome (MFDGA). Also called: Growth and mental retardation, mandibulofacial dysostosis, microcephaly, and cleft palate; Mandibulofacial dysostosis, Guion-Almeida type. Identifiers: Orphanet 79113, MedGen C1864652, MONDO:0012516, OMIM 610536.

Submission:

Laboratorio de Genetica e Diagnostico Molecular, Hospital Israelita Albert Einstein
Classification: Uncertain significance for Mandibulofacial dysostosis-microcephaly syndrome. Last evaluated: 2024-03-28. Review status: criteria provided, single submitter. Criteria: ACMG Guidelines, 2015. Collection method: clinical testing. Allele origin: germline. Affected: yes.
Comment: ACMG classification criteria: PM2 supporting, BP4 supporting